The following is an entry in ClinVar:

ClinVar aggregate classification (germline): Likely benign (1 of 4 stars; one submission).

Allele frequency attached by ClinVar (database versions not stated): ESP Exome Variant Server 0.00177; gnomAD 0.00260; TOPMed 0.00260; ExAC 0.00273; 1000 Genomes Project 0.00300; 1000 Genomes Project 30x 0.00312; gnomAD exomes 0.00345.
gnomAD v4.1: 5,435 of 1,612,862 alleles (0.34%); highest among the groups gnomAD compares: Non-Finnish European, 0.39%; 20 homozygotes.

Submission:

CeGaT Center for Human Genetics Tuebingen
Classification: Likely benign. Last evaluated: 2023-02-01. Review status: criteria provided, single submitter. Criteria: CeGaT Center For Human Genetics Tuebingen Variant Classification Criteria Version 2. Collection method: clinical testing. Allele origin: germline. Affected: yes. Observed: 1 variant allele.
Comment: GOLPH3: BP4, BP7, BS2

NM_022130.4(GOLPH3):c.496T>C (p.Leu166=)

Genes: GOLPH3 (golgi phosphoprotein 3; minus strand), LOC126807344 (CDK7 strongly-dependent group 2 enhancer GRCh37_chr5:32125750-32126949; plus strand). Cytogenetic location: 5p13.3.
Variant type: single nucleotide variant.
Coding change: c.496T>C on transcript NM_022130.4 (MANE Select); coding-DNA position 496, T replaced by C.
Protein change: p.Leu166=; no amino-acid change (leucine 166 retained).
Molecular consequence: synonymous variant.
Genome position (GRCh38, 1-based): chr5:32,126,613, A>G on the plus strand (T>C on the coding strand, the complement: GOLPH3 is on the minus strand). VCF-style: chr5-32126613-A-G. GRCh37 (hg19) VCF-style: chr5-32126719-A-G.
Identifiers: ClinVar variation 2655385 (VCV002655385.24), dbSNP rs61751182, ClinGen allele CA3220710.